The following is an entry in ClinVar:

NM_020911.2(PLXNA4):c.3510G>A (p.Pro1170=)

Gene: PLXNA4 (plexin A4; minus strand). Cytogenetic location: 7q32.3.
Variant type: single nucleotide variant.
Coding change: c.3510G>A on transcript NM_020911.2 (MANE Select); coding-DNA position 3510, G replaced by A.
Protein change: p.Pro1170=; no amino-acid change (proline 1170 retained).
Molecular consequence: synonymous variant.
Genome position (GRCh38, 1-based): chr7:132,180,715, C>T on the plus strand (G>A on the coding strand, the complement: PLXNA4 is on the minus strand). VCF-style: chr7-132180715-C-T. GRCh37 (hg19) VCF-style: chr7-131865474-C-T.
Other names: c.3510G>A, p.Pro1170= (NM_001393897.1).
Identifiers: ClinVar variation 3030348 (VCV003030348.2), dbSNP rs201637265, ClinGen allele CA4489469.

ClinVar aggregate classification (germline): Likely benign (0 of 4 stars; one submission).

Conditions:
PLXNA4-related disorder. Also called: PLXNA4-related condition.

Allele frequency attached by ClinVar (database versions not stated): ExAC 0.00008; ESP Exome Variant Server 0.00016; gnomAD 0.00023; TOPMed 0.00025; 1000 Genomes Project 0.00040; 1000 Genomes Project 30x 0.00047.
gnomAD v4.1: 109 of 1,614,142 alleles (0.0068%); highest among the groups gnomAD compares: African/African-American, 0.084%; no homozygotes.

Submission:

PreventionGenetics, part of Exact Sciences
Classification: Likely benign for PLXNA4-related condition. Last evaluated: 2022-10-11. Review status: no assertion criteria provided. Collection method: clinical testing. Allele origin: germline.
Comment: This variant is classified as likely benign based on ACMG/AMP sequence variant interpretation guidelines (Richards et al. 2015 PMID: 25741868, with internal and published modifications).